The following is an entry in ClinVar:

NM_001126108.2(SLC12A3):c.2554C>T (p.Arg852Cys)

Gene: SLC12A3 (solute carrier family 12 member 3; plus strand). Cytogenetic location: 16q13.
Variant type: single nucleotide variant.
Coding change: c.2554C>T on transcript NM_001126108.2 (MANE Select); coding-DNA position 2554, C replaced by T.
Protein change: p.Arg852Cys; replaces arginine 852 with cysteine.
Molecular consequence: missense variant.
Genome position (GRCh38, 1-based): chr16:56,894,563, C>T. VCF-style: chr16-56894563-C-T. GRCh37 (hg19) VCF-style: chr16-56928475-C-T.
Other names: c.2581C>T, p.Arg861Cys (NM_000339.3); c.2578C>T, p.Arg860Cys (NM_001126107.2); c.2554C>T (NM_001126108.1); short protein forms R861C, R852C, R860C.
Identifiers: ClinVar variation 437926 (VCV000437926.35), dbSNP rs373899077, ClinGen allele CA8069966.

ClinVar aggregate classification (germline): Pathogenic/Likely pathogenic. Review status: criteria provided, multiple submitters, no conflicts (2 of 4 stars). 17 submissions from 17 submitters: Pathogenic (15); Likely pathogenic (1). 1 of the submissions does not count toward it. Last evaluated 2026-08-06.

Conditions:
SLC12A3-related disorder. Also called: SLC12A3-related condition.
Renal tubulopathies.
Familial hypokalemia-hypomagnesemia (GTLMNS). Also called: gitelman syndrome; HYPOMAGNESEMIA-HYPOKALEMIA, PRIMARY RENOTUBULAR, WITH HYPOCALCIURIA; POTASSIUM AND MAGNESIUM DEPLETION. Identifiers: Orphanet 358, MedGen C0268450, MONDO:0009904, OMIM 263800.

Allele frequency attached by ClinVar (database versions not stated): gnomAD exomes 0.00009 and 0.00017; gnomAD 0.00011; ExAC 0.00013; 1000 Genomes Project 30x 0.00016; TOPMed 0.00009; ESP Exome Variant Server 0.00008; 1000 Genomes Project 0.00020.
gnomAD v4.1: 257 of 1,613,968 alleles (0.016%); highest among the groups gnomAD compares: Non-Finnish European, 0.02%; no homozygotes.

Submissions 1 to 12 of 17:

OLLIN Analises Genomicas, OLLIN
Classification: Pathogenic for Familial hypokalemia-hypomagnesemia. Last evaluated: 2026-08-06. Review status: criteria provided, single submitter. Criteria: ACMG Guidelines 2015 PMID 25741868. Collection method: clinical testing. Allele origin: germline. Inheritance: Autosomal recessive inheritance.
Comment: This missense variant, located in exon 22 (of 26), has been reported in ClinVar (accession VCV000437926.30), in gnomAD with an allele frequency of 0.016%, and in the scientific literature, segregating with the phenotype and in compound heterozygosity, in individuals with SLC12A3 related disorders (PMID: 27582097). Functional studies suggest that this variant may affect protein function, and in silico analysis predicts a deleterious effect (PMID: 27582097). According to the currently available evidence, this variant has been classified as pathogenic (PS3_P, PS4, PM2_P, PM3_S, PP3_M, PP1).

Genetics Laboratory, Great Ormond Street Hospital NHS Foundation Trust, North Thames Genomic Laboratory Hub
Classification: Pathogenic for Renal tubulopathies. Last evaluated: 2026-03-26. Review status: criteria provided, single submitter. Criteria: ACGS Best Practice Guidelines for Variant Classification in Rare Disease 2024 v1.2. Collection method: clinical testing. Allele origin: germline. Affected: yes.
Comment: PM2_moderate, PP3_supporting, PS3_moderate, PM3_very-strong

Labcorp Genetics (formerly Invitae), Labcorp
Classification: Pathogenic. Last evaluated: 2025-10-09. Review status: criteria provided, single submitter. Criteria: Invitae Variant Classification Sherloc (09022015). Collection method: clinical testing. Allele origin: germline.
Comment: This sequence change replaces arginine, which is basic and polar, with cysteine, which is neutral and slightly polar, at codon 861 of the SLC12A3 protein (p.Arg861Cys). This variant is present in population databases (rs373899077, gnomAD 0.02%). This missense change has been observed in individual(s) with Gitelman syndrome (PMID: 21415153, 23328711, 26121437). In at least one individual the data is consistent with being in trans (on the opposite chromosome) from a pathogenic variant. It has also been observed to segregate with disease in related individuals. This variant is also known as c.2579C>T (Arg852Cys). ClinVar contains an entry for this variant (Variation ID: 437926). Invitae Evidence Modeling of protein sequence and biophysical properties (such as structural, functional, and spatial information, amino acid conservation, physicochemical variation, residue mobility, and thermodynamic stability) indicates that this missense variant is expected to disrupt SLC12A3 protein function with a positive predictive value of 95%. Experimental studies have shown that this missense change affects SLC12A3 function (PMID: 27582097). For these reasons, this variant has been classified as Pathogenic.

Natera, Inc.
Classification: Pathogenic for Gitelman syndrome. Last evaluated: 2025-08-31. Review status: criteria provided, single submitter. Criteria: Natera Variant Classification Schema (03/2026). Collection method: clinical testing. Allele origin: germline.
Comment: The c.2581C>T variant in SLC12A3 is a missense variant predicted to cause substitution of arginine to cysteine at amino acid 861. This variant is rare in the general population with a frequency below the threshold expected for the associated phenotype(s). This variant has been observed in one or more individuals affected with the associated recessive disease, as either homozygous or compound heterozygous with a second variant (PMID: 29398133). Given the available evidence, this variant is classified as Pathogenic.

Women's Health and Genetics/Laboratory Corporation of America, LabCorp
Classification: Pathogenic for Familial hypokalemia-hypomagnesemia. Last evaluated: 2025-07-01. Review status: criteria provided, single submitter. Criteria: LabCorp Variant Classification Summary - May 2015. Collection method: clinical testing. Allele origin: germline.
Comment: Variant summary: SLC12A3 c.2581C>T (p.Arg861Cys) results in a non-conservative amino acid change in the encoded protein sequence. Algorithms developed to predict the effect of missense changes on protein structure and function all suggest that this variant is likely to be disruptive. The variant allele was found at a frequency of 8.8e-05 in 251166 control chromosomes. This frequency is not significantly higher than estimated for a pathogenic variant in SLC12A3 causing Familial Hypokalemia-Hypomagnesemia, allowing no conclusion about variant significance. c.2581C>T has been observed in homozygous and compound heterozygous individuals affected with Gitelman syndrome (e.g. Berry_2013, Ji_2008, Jiang_2015). These data indicate that the variant is likely to be associated with disease. A different variant affecting the same codon has been classified as likely pathogenic/pathogenic by our lab (c.2582G>A, p.Arg861His), supporting the critical relevance of codon 861 to SLC12A3 protein function. To our knowledge, no experimental evidence demonstrating an impact on protein function has been reported. The following publications have been ascertained in the context of this evaluation (PMID: 23328711, 18391953, 26121437). ClinVar contains an entry for this variant (Variation ID: 437926). Based on the evidence outlined above, the variant was classified as pathogenic.

Victorian Clinical Genetics Services, Murdoch Childrens Research Institute
Classification: Pathogenic for Familial hypokalemia-hypomagnesemia. Last evaluated: 2025-01-23. Review status: criteria provided, single submitter. Criteria: ACMG Guidelines, 2015. Collection method: clinical testing. Allele origin: germline. Affected: yes.
Comment: This variant is classified as Pathogenic. Evidence in support of pathogenic classification: Variant is present in gnomAD (v2) <0.01 for a recessive condition (24 heterozygotes, 0 homozygotes); This variant has strong previous evidence of pathogenicity in unrelated individuals. It has been reported in many patients with Gitelman syndrome (ClinVar, PMIDs: 9734597, 18391953, 26121437, 27872838); This variant has moderate functional evidence supporting abnormal protein function. Functional studies using HEK293 cells showed the variant decreased SLC12A3 activity and SLC12A3 protein abundance in total cell lysate (PMID: 27582097); Missense variant consistently predicted to be damaging by multiple in silico tools or highly conserved with a major amino acid change. Additional information: Variant is predicted to result in a missense amino acid change from arginine to cysteine; This variant is heterozygous; This gene is associated with autosomal recessive disease; An alternative amino acid change at the same position has been observed in gnomAD (v2) (2 heterozygotes, 0 homozygotes); Variant is located in the annotated solute carrier family 12 domain (Decipher); Loss of function is a known mechanism of disease in this gene and is associated with Gitelman syndrome (MIM#263800).

Blueprint Genetics
Classification: Pathogenic for SLC12A3-related disorders. Last evaluated: 2024-10-16. Review status: criteria provided, single submitter. Criteria: ACMG Guidelines, 2015. Collection method: clinical testing. Allele origin: germline. Affected: yes. Observed: 5 variant alleles.

Vascular Genetix
Classification: Pathogenic for Familial hypokalemia-hypomagnesemia. Last evaluated: 2023-01-03. Review status: criteria provided, single submitter. Criteria: ACMG Guidelines, 2015. Collection method: clinical testing. Allele origin: germline. Inheritance: Autosomal recessive inheritance. Affected: yes. Observed: 1 variant allele.
Comment: The heterozygous p.Arg852Cys mutation in the SLC12A3 gene (NM_001126108.2:c.2554C>T) causes the 852th arginin amino acid  to be changed to cysteine. The p.Arg852Cys mutation can be found in population databases (rs373899077, gnomAD_genomes: 0.01%, number of homozygotes: 0). It has been described in the literature in several cases of SLC12A3 mutation-related disease (PMID: 27872838, 27582097, 26121437, 23328711, 22241817). Gitelman syndrome (#600968) linked to the SLC12A3 gene is inherited in an autosomal recessive (AR) manner.

European Hospital Georges Pompidou Genetics Department, Assistance Publique - Hôpitaux de Paris AP-HP
Classification: Pathogenic for Familial hypokalemia-hypomagnesemia. Last evaluated: 2022-04-27. Review status: criteria provided, single submitter. Criteria: ACMG Guidelines, 2015. Collection method: clinical testing. Allele origin: germline. Affected: yes.
Comment: ACMG criteria used:PS3, PS4, PM1, PM3, PM5 , PP3, PP5

Genome-Nilou Lab
Classification: Pathogenic for Familial hypokalemia-hypomagnesemia. Last evaluated: 2021-07-15. Review status: criteria provided, single submitter. Criteria: ACMG Guidelines, 2015. Collection method: clinical testing. Allele origin: germline. Affected: no.

Fulgent Genetics
Classification: Pathogenic for Familial hypokalemia-hypomagnesemia. Last evaluated: 2021-06-30. Review status: criteria provided, single submitter. Criteria: ACMG Guidelines, 2015. Collection method: clinical testing. Allele origin: unknown.
Comment: This variant has been detected in individual(s) who were sent for testing of Renasight - kidney gene panel.

Baylor Genetics
Classification: Pathogenic for Familial hypokalemia-hypomagnesemia. Last evaluated: 2021-05-06. Review status: criteria provided, single submitter. Criteria: ACMG Guidelines, 2015. Collection method: clinical testing. Allele origin: unknown.